The following is an entry in ClinVar:

ClinVar aggregate classification (germline): Conflicting classifications of pathogenicity. Review status: criteria provided, conflicting classifications (1 of 4 stars). 2 submissions from 2 submitters: Likely pathogenic (1); Uncertain significance (1). Last evaluated 2024-10-17.

Conditions:
Early-infantile DEE. Also called: Early infantile epileptic encephalopathy; Ohtahara syndrome; Early infantile epileptic encephalopathy with suppression bursts. Identifiers: Orphanet 1934, MedGen C0393706, MONDO:0800491.

Allele frequency attached by ClinVar (database versions not stated): gnomAD exomes below 0.00001.
gnomAD v4.1: 1 of 1,612,824 alleles (0.000062%); highest among the groups gnomAD compares: Non-Finnish European, 0.000085%; no homozygotes.

Submissions (2):

GeneDx
Classification: Likely pathogenic. Last evaluated: 2024-10-17. Review status: criteria provided, single submitter. Criteria: GeneDx Variant Classification Process June 2021. Collection method: clinical testing. Allele origin: germline.
Comment: De novo variant with confirmed parentage in a patient in published literature from a cohort of individuals with developmental disorders; detailed clinical information was not provided (PMID: 33057194); Not observed at significant frequency in large population cohorts (gnomAD); In silico analysis indicates that this missense variant does not alter protein structure/function; This variant is associated with the following publications: (PMID: 35982159, 33057194)

Labcorp Genetics (formerly Invitae), Labcorp
Classification: Uncertain significance for Early-infantile DEE. Last evaluated: 2023-09-10. Review status: criteria provided, single submitter. Criteria: Invitae Variant Classification Sherloc (09022015). Collection method: clinical testing. Allele origin: germline.
Comment: In summary, the available evidence is currently insufficient to determine the role of this variant in disease. Therefore, it has been classified as a Variant of Uncertain Significance. Advanced modeling of protein sequence and biophysical properties (such as structural, functional, and spatial information, amino acid conservation, physicochemical variation, residue mobility, and thermodynamic stability) has been performed at Invitae for this missense variant, however the output from this modeling did not meet the statistical confidence thresholds required to predict the impact of this variant on GNAO1 protein function. This variant has not been reported in the literature in individuals affected with GNAO1-related conditions. This variant is not present in population databases (gnomAD no frequency). This sequence change replaces arginine, which is basic and polar, with glutamine, which is neutral and polar, at codon 349 of the GNAO1 protein (p.Arg349Gln).

NM_020988.3(GNAO1):c.1046G>A (p.Arg349Gln)

Gene: GNAO1 (G protein subunit alpha o1; plus strand). Cytogenetic location: 16q13.
Variant type: single nucleotide variant.
Coding change: c.1046G>A on transcript NM_020988.3 (MANE Select); coding-DNA position 1046, G replaced by A.
Protein change: p.Arg349Gln; replaces arginine 349 with glutamine.
Molecular consequence: missense variant.
Genome position (GRCh38, 1-based): chr16:56,355,034, G>A. VCF-style: chr16-56355034-G-A. GRCh37 (hg19) VCF-style: chr16-56388946-G-A.
Other names: short protein forms R349Q.
Identifiers: ClinVar variation 2580778 (VCV002580778.5), dbSNP rs2543432214, ClinGen allele CA395955416.